The following is an entry in ClinVar:

ClinVar aggregate classification (germline): Uncertain significance. Review status: criteria provided, multiple submitters, no conflicts (2 of 4 stars). 2 submissions from 2 submitters: Uncertain significance (2). Last evaluated 2025-08-15.

Conditions:
Neurofibromatosis, type 1 (NF1). Also called: Peripheral type neurofibromatosis; VON RECKLINGHAUSEN DISEASE; NEUROFIBROMATOSIS, TYPE I, SOMATIC; Neurofibromatosis, type I. Identifiers: Orphanet 636, MedGen C0027831, MONDO:0018975, OMIM 162200. Disease mechanism: loss of function.
Cardiovascular phenotype. Identifiers: MedGen CN230736.
Hereditary cancer-predisposing syndrome. Also called: Neoplastic Syndromes, Hereditary; Tumor predisposition; Hereditary neoplastic syndrome; Hereditary Cancer Syndrome. Identifiers: Orphanet 140162, MedGen C0027672, MeSH D009386, MONDO:0015356.

gnomAD v4.1: 1 of 1,614,034 alleles (0.000062%); highest among the groups gnomAD compares: Non-Finnish European, 0.000085%; no homozygotes.

Submissions (2):

Ambry Genetics
Classification: Uncertain significance for Cardiovascular phenotype; Hereditary cancer-predisposing syndrome. Last evaluated: 2025-08-15. Review status: criteria provided, single submitter. Criteria: Ambry Variant Classification Scheme 2023. Collection method: clinical testing. Allele origin: germline.
Comment: The p.K248N variant (also known as c.744G>T), located in coding exon 8 of the NF1 gene, results from a G to T substitution at nucleotide position 744. The lysine at codon 248 is replaced by asparagine, an amino acid with similar properties. This amino acid position is well conserved in available vertebrate species. In addition, this alteration is predicted to be tolerated by in silico analysis. Based on the available evidence, the clinical significance of this variant remains unclear.

Labcorp Genetics (formerly Invitae), Labcorp
Classification: Uncertain significance for Neurofibromatosis, type 1. Last evaluated: 2022-03-18. Review status: criteria provided, single submitter. Criteria: Invitae Variant Classification Sherloc (09022015). Collection method: clinical testing. Allele origin: germline.
Comment: This sequence change replaces lysine, which is basic and polar, with asparagine, which is neutral and polar, at codon 248 of the NF1 protein (p.Lys248Asn). This variant is not present in population databases (gnomAD no frequency). This variant has not been reported in the literature in individuals affected with NF1-related conditions. Advanced modeling of protein sequence and biophysical properties (such as structural, functional, and spatial information, amino acid conservation, physicochemical variation, residue mobility, and thermodynamic stability) performed at Invitae indicates that this missense variant is not expected to disrupt NF1 protein function. In summary, the available evidence is currently insufficient to determine the role of this variant in disease. Therefore, it has been classified as a Variant of Uncertain Significance.

NM_001042492.3(NF1):c.744G>T (p.Lys248Asn)

Gene: NF1 (neurofibromin 1; plus strand). Cytogenetic location: 17q11.2.
Variant type: single nucleotide variant.
Coding change: c.744G>T on transcript NM_001042492.3 (MANE Select); coding-DNA position 744, G replaced by T.
Protein change: p.Lys248Asn; replaces lysine 248 with asparagine.
Molecular consequence: missense variant.
Genome position (GRCh38, 1-based): chr17:31,182,521, G>T. VCF-style: chr17-31182521-G-T. GRCh37 (hg19) VCF-style: chr17-29509539-G-T.
Other names: c.744G>T, p.Lys248Asn (NM_000267.4, NM_001128147.3); short protein forms K248N.
Identifiers: ClinVar variation 1758973 (VCV001758973.5), dbSNP rs1597659771, ClinGen allele CA398990553.
Genomic context (GRCh38, chr17:31,182,521, plus strand): 5'-GATTTTGTTCCTATCTAATAATGTCATTTAATATATTTTTCATGCAGAATGTGCAGAAAA[G>T]CTATTTGACTTGGTGGATGGTTTTGCTGAAAGCACCAAACGTAAAGCAGCAGTTTGGCCA-3'
Protein context (NP_001035957.1, residues 238-258): PQTDMAECAE[Lys248Asn]LFDLVDGFAE